The following is an entry in ClinVar:

ClinVar aggregate classification (germline): Uncertain significance (1 of 4 stars; one submission).

Conditions:
Hereditary cancer-predisposing syndrome. Also called: Neoplastic Syndromes, Hereditary; Tumor predisposition; Hereditary Cancer Syndrome; Hereditary neoplastic syndrome. Identifiers: Orphanet 140162, MedGen C0027672, MeSH D009386, MONDO:0015356.
Cardiovascular phenotype. Identifiers: MedGen CN230736.

Submission:

Ambry Genetics
Classification: Uncertain significance for Cardiovascular phenotype; Hereditary cancer-predisposing syndrome. Last evaluated: 2020-03-16. Review status: criteria provided, single submitter. Criteria: Ambry Variant Classification Scheme 2023. Collection method: clinical testing. Allele origin: germline.
Comment: The p.C606Y variant (also known as c.1817G>A), located in coding exon 16 of the NF1 gene, results from a G to A substitution at nucleotide position 1817. The cysteine at codon 606 is replaced by tyrosine, an amino acid with highly dissimilar properties. This amino acid position is highly conserved in available vertebrate species. In addition, this alteration is predicted to be deleterious by in silico analysis. Since supporting evidence is limited at this time, the clinical significance of this alteration remains unclear.

NM_001042492.3(NF1):c.1817G>A (p.Cys606Tyr)

Gene: NF1 (neurofibromin 1; plus strand). Cytogenetic location: 17q11.2.
Variant type: single nucleotide variant.
Coding change: c.1817G>A on transcript NM_001042492.3 (MANE Select); coding-DNA position 1817, G replaced by A.
Protein change: p.Cys606Tyr; replaces cysteine 606 with tyrosine.
Molecular consequence: missense variant.
Genome position (GRCh38, 1-based): chr17:31,223,539, G>A. VCF-style: chr17-31223539-G-A. GRCh37 (hg19) VCF-style: chr17-29550557-G-A.
Other names: c.1817G>A, p.Cys606Tyr (NM_000267.4); short protein forms C606Y.
Identifiers: ClinVar variation 1780693 (VCV001780693.2), dbSNP rs2144016973, ClinGen allele CA399004533.
Genomic context (GRCh38, chr17:31,223,539, plus strand): 5'-CTAGTCATCAAATGCTTAGTAGCACAGAAATTCTCAAGTGGTTGCGGGAAATATTGATCT[G>A]CAGGAATAAATTTCTTCTTAAAAATAAGGTAAGCAAAATGACATATTTAAAAAATGGAAG-3'
Protein context (NP_001035957.1, residues 596-616): ILKWLREILI[Cys606Tyr]RNKFLLKNKQ